The following is an entry in ClinVar:

ClinVar aggregate classification (germline): Pathogenic. Review status: criteria provided, multiple submitters, no conflicts (2 of 4 stars). 3 submissions from 3 submitters: Pathogenic (2). 1 of the submissions does not count toward it. Last evaluated 2024-08-19.

Conditions:
Familial thoracic aortic aneurysm and aortic dissection (TAAD). Also called: Thoracic aortic aneurysms and dissections. Identifiers: Orphanet 91387, MedGen C4707243, MONDO:0019625.
Marfan syndrome (MFS). Also called: Marfan syndrome type 1; Marfan syndrome, classic; Marfan's syndrome; FBN1-Related Marfan Syndrome; MARFAN SYNDROME, TYPE I. Identifiers: Orphanet 284963, Orphanet 558, MedGen C0024796, MONDO:0007947, OMIM 154700.

Submissions (3):

Labcorp Genetics (formerly Invitae), Labcorp
Classification: Pathogenic for Marfan syndrome; Familial thoracic aortic aneurysm and aortic dissection. Last evaluated: 2024-08-19. Review status: criteria provided, single submitter. Criteria: Invitae Variant Classification Sherloc (09022015). Collection method: clinical testing. Allele origin: germline.
Comment: This sequence change creates a premature translational stop signal (p.Gln258*) in the FBN1 gene. It is expected to result in an absent or disrupted protein product. Loss-of-function variants in FBN1 are known to be pathogenic (PMID: 17657824, 19293843). This variant is not present in population databases (gnomAD no frequency). This premature translational stop signal has been observed in individual(s) with clinical features of Marfan syndrome (PMID: 16835936, 19161152). ClinVar contains an entry for this variant (Variation ID: 549425). For these reasons, this variant has been classified as Pathogenic.

Centre of Medical Genetics, University of Antwerp
Classification: Pathogenic for Marfan syndrome. Last evaluated: 2021-03-01. Review status: criteria provided, single submitter. Criteria: Submitter's publication. Collection method: research. Allele origin: unknown. Affected: yes.
Comment: PM2, PVS1, PP4

Center for Medical Genetics Ghent, University of Ghent
Classification: Pathogenic for Marfan syndrome. Last evaluated: 2017-11-07. Review status: no assertion criteria provided. Collection method: clinical testing. Allele origin: germline. Affected: yes. Not counted in ClinVar's aggregate classification.

Literature cited by the submitters: PubMed 17657824 (cited by Labcorp Genetics (formerly Invitae), Labcorp); PubMed 19293843 (cited by Labcorp Genetics (formerly Invitae), Labcorp); PubMed 16835936 (cited by Labcorp Genetics (formerly Invitae), Labcorp); PubMed 19161152 (cited by Labcorp Genetics (formerly Invitae), Labcorp).

NM_000138.5(FBN1):c.772C>T (p.Gln258Ter)

Gene: FBN1 (fibrillin 1; minus strand). Cytogenetic location: 15q21.1.
Variant type: single nucleotide variant.
Coding change: c.772C>T on transcript NM_000138.5 (MANE Select); coding-DNA position 772, C replaced by T.
Protein change: p.Gln258Ter; replaces glutamine 258 with a stop codon.
Molecular consequence: nonsense.
Genome position (GRCh38, 1-based): chr15:48,534,170, G>A on the plus strand (C>T on the coding strand, the complement: FBN1 is on the minus strand). VCF-style: chr15-48534170-G-A. GRCh37 (hg19) VCF-style: chr15-48826367-G-A.
Other names: short protein forms Q258*.
Identifiers: ClinVar variation 549425 (VCV000549425.27), dbSNP rs146348130, ClinGen allele CA392352667.
Genomic context (GRCh38, chr15:48,534,170, plus strand): 5'-TGTGTCCAGCAGGGCATTTGCACTCAAAAGACCCAACAGTATTAATGCAATTTCCTCCCT[G>A]ACAGAGCCCGGGGATGGCCTGGCATTCATCCACATCTGTCAGATTACAGAAGACAGAGAG-3'